The following is an entry in ClinVar:

ClinVar aggregate classification (germline): Uncertain significance. Review status: criteria provided, multiple submitters, no conflicts (2 of 4 stars). 2 submissions from 2 submitters: Uncertain significance (2). Last evaluated 2023-03-12.

Conditions:
Epidermolysis bullosa simplex 5B, with muscular dystrophy (EBS5B). Also called: EPIDERMOLYSIS BULLOSA SIMPLEX AND LIMB-GIRDLE MUSCULAR DYSTROPHY; Epidermolysis bullosa simplex with muscular dystrophy. Identifiers: Orphanet 257, MedGen C2931072, MONDO:0009181, OMIM 226670.
Epidermolysis bullosa simplex 5C, with pyloric atresia (EBS5C). Also called: PLEC1-Related Epidermolysis Bullosa with Pyloric Atresia; PLEC-Related Epidermolysis Bullosa with Pyloric Atresia; Epidermolysis bullosa simplex with pyloric atresia. Identifiers: Orphanet 158684, MedGen C2677349, MONDO:0012807, OMIM 612138.
Epidermolysis bullosa simplex, Ogna type (EBS5A). Also called: Pidermolysis bullosa simplex 5A, Ogna type; EPIDERMOLYSIS BULLOSA SIMPLEX 5A, OGNA TYPE. Identifiers: Orphanet 79401, MedGen C0432317, MONDO:0007555, OMIM 131950.
Autosomal recessive limb-girdle muscular dystrophy type 2Q (LGMDR17). Also called: MUSCULAR DYSTROPHY, LIMB-GIRDLE, AUTOSOMAL RECESSIVE 17. Identifiers: Orphanet 254361, MedGen C3150989, MONDO:0013390, OMIM 613723.
Epidermolysis bullosa simplex with nail dystrophy (EBS5D). Identifiers: MedGen C4225309, MONDO:0014661, OMIM 616487.

Allele frequency attached by ClinVar (database versions not stated): gnomAD exomes below 0.00001; ExAC 0.00001; gnomAD 0.00001; TOPMed 0.00001.
gnomAD v4.1: 1 of 1,613,556 alleles (0.000062%); highest among the groups gnomAD compares: African/African-American, 0.0013%; no homozygotes.

Submissions (2):

Labcorp Genetics (formerly Invitae), Labcorp
Classification: Uncertain significance for Autosomal recessive limb-girdle muscular dystrophy type 2Q; Epidermolysis bullosa simplex, Ogna type; Epidermolysis bullosa simplex with nail dystrophy; Epidermolysis bullosa simplex 5C, with pyloric atresia; Epidermolysis bullosa simplex 5B, with muscular dystrophy. Last evaluated: 2023-03-12. Review status: criteria provided, single submitter. Criteria: Invitae Variant Classification Sherloc (09022015). Collection method: clinical testing. Allele origin: germline.
Comment: This variant has not been reported in the literature in individuals affected with PLEC-related conditions. This sequence change replaces threonine, which is neutral and polar, with proline, which is neutral and non-polar, at codon 1367 of the PLEC protein (p.Thr1367Pro). This variant is present in population databases (rs782746248, gnomAD 0.007%). ClinVar contains an entry for this variant (Variation ID: 1490624). Advanced modeling of protein sequence and biophysical properties (such as structural, functional, and spatial information, amino acid conservation, physicochemical variation, residue mobility, and thermodynamic stability) has been performed at Invitae for this missense variant, however the output from this modeling did not meet the statistical confidence thresholds required to predict the impact of this variant on PLEC protein function. In summary, the available evidence is currently insufficient to determine the role of this variant in disease. Therefore, it has been classified as a Variant of Uncertain Significance.

Revvity Omics, Revvity
Classification: Uncertain significance. Last evaluated: 2021-06-30. Review status: criteria provided, single submitter. Criteria: ACMG Guidelines, 2015. Collection method: clinical testing. Allele origin: germline.

NM_201384.3(PLEC):c.4018A>C (p.Thr1340Pro)

Gene: PLEC (plectin; minus strand). Cytogenetic location: 8q24.3.
Variant type: single nucleotide variant.
Coding change: c.4018A>C on transcript NM_201384.3 (MANE Select); coding-DNA position 4018, A replaced by C.
Protein change: p.Thr1340Pro; replaces threonine 1340 with proline.
Molecular consequence: missense variant.
Genome position (GRCh38, 1-based): chr8:143,926,810, T>G on the plus strand (A>C on the coding strand, the complement: PLEC is on the minus strand). VCF-style: chr8-143926810-T-G. GRCh37 (hg19) VCF-style: chr8-145000978-T-G.
Other names: c.4099A>C, p.Thr1367Pro (NM_000445.5); c.3976A>C, p.Thr1326Pro (NM_201378.4); c.3952A>C, p.Thr1318Pro (NM_201379.3); c.4429A>C, p.Thr1477Pro (NM_201380.4); c.3922A>C, p.Thr1308Pro (NM_201381.3); c.4018A>C, p.Thr1340Pro (NM_201382.4); c.4030A>C, p.Thr1344Pro (NM_201383.3); short protein forms T1344P, T1477P, T1308P, T1318P, T1340P, T1367P, T1326P.
Identifiers: ClinVar variation 1490624 (VCV001490624.11), dbSNP rs782746248, ClinGen allele CA4926808.